The following is an entry in ClinVar:

ClinVar aggregate classification (germline): Uncertain significance (1 of 4 stars; one submission).

Conditions:
Malignant hyperthermia, susceptibility to, 5 (MHS5). Also called: CACNA1S-Related Malignant Hyperthermia Susceptibility. Identifiers: Orphanet 423, MedGen C1866077, MONDO:0011163, OMIM 601887.
Hypokalemic periodic paralysis, type 1. Also called: HypoPP; Hypokalemic Periodic Paralysis Type 1 (AD). Identifiers: Orphanet 681, MedGen C3714580, MONDO:0042979, OMIM 170400.

Allele frequency attached by ClinVar (database versions not stated): gnomAD exomes below 0.00001.
gnomAD v4.1: 1 of 1,614,188 alleles (0.000062%); highest among the groups gnomAD compares: Non-Finnish European, 0.000085%; no homozygotes.

Submission:

Labcorp Genetics (formerly Invitae), Labcorp
Classification: Uncertain significance for Hypokalemic periodic paralysis, type 1; Malignant hyperthermia, susceptibility to, 5. Last evaluated: 2022-08-16. Review status: criteria provided, single submitter. Criteria: Invitae Variant Classification Sherloc (09022015). Collection method: clinical testing. Allele origin: germline.
Comment: In summary, the available evidence is currently insufficient to determine the role of this variant in disease. Therefore, it has been classified as a Variant of Uncertain Significance. Advanced modeling of protein sequence and biophysical properties (such as structural, functional, and spatial information, amino acid conservation, physicochemical variation, residue mobility, and thermodynamic stability) performed at Invitae indicates that this missense variant is not expected to disrupt CACNA1S protein function. ClinVar contains an entry for this variant (Variation ID: 473972). This variant has not been reported in the literature in individuals affected with CACNA1S-related conditions. This variant is not present in population databases (gnomAD no frequency). This sequence change replaces alanine, which is neutral and non-polar, with valine, which is neutral and non-polar, at codon 67 of the CACNA1S protein (p.Ala67Val).

NM_000069.3(CACNA1S):c.200C>T (p.Ala67Val)

Gene: CACNA1S (calcium voltage-gated channel subunit alpha1 S; minus strand). Cytogenetic location: 1q32.1.
Variant type: single nucleotide variant.
Coding change: c.200C>T on transcript NM_000069.3 (MANE Select); coding-DNA position 200, C replaced by T.
Protein change: p.Ala67Val; replaces alanine 67 with valine.
Molecular consequence: missense variant.
Genome position (GRCh38, 1-based): chr1:201,110,222, G>A on the plus strand (C>T on the coding strand, the complement: CACNA1S is on the minus strand). VCF-style: chr1-201110222-G-A. GRCh37 (hg19) VCF-style: chr1-201079350-G-A.
Other names: short protein forms A67V.
Identifiers: ClinVar variation 473972 (VCV000473972.9), dbSNP rs1553254116, ClinGen allele CA344156038.